The following is an entry in ClinVar:

ClinVar aggregate classification (germline): Uncertain significance. Review status: criteria provided, multiple submitters, no conflicts (2 of 4 stars). 3 submissions from 3 submitters: Uncertain significance (3). Last evaluated 2025-10-14.

Conditions:
Familial thoracic aortic aneurysm and aortic dissection (TAAD). Also called: Thoracic aortic aneurysms and dissections. Identifiers: Orphanet 91387, MedGen C4707243, MONDO:0019625.
Aortic aneurysm, familial thoracic 4 (AAT4). Also called: AORTIC ANEURYSM/AORTIC DISSECTION AND PATENT DUCTUS ARTERIOSUS. Identifiers: MedGen C1851504, MONDO:0007568, OMIM 132900.

Allele frequency attached by ClinVar (database versions not stated): gnomAD exomes 0.00001; gnomAD 0.00002; TOPMed 0.00002.
gnomAD v4.1: 6 of 1,613,868 alleles (0.00037%); highest among the groups gnomAD compares: African/African-American, 0.0027%; no homozygotes.

Submissions (3):

Labcorp Genetics (formerly Invitae), Labcorp
Classification: Uncertain significance for Aortic aneurysm, familial thoracic 4. Last evaluated: 2025-10-14. Review status: criteria provided, single submitter. Criteria: Invitae Variant Classification Sherloc (09022015). Collection method: clinical testing. Allele origin: germline.
Comment: This sequence change replaces lysine, which is basic and polar, with arginine, which is basic and polar, at codon 1932 of the MYH11 protein (p.Lys1932Arg). This variant is present in population databases (no rsID available, gnomAD 0.002%). This variant has not been reported in the literature in individuals affected with MYH11-related conditions. ClinVar contains an entry for this variant (Variation ID: 318089). Invitae Evidence Modeling of protein sequence and biophysical properties (such as structural, functional, and spatial information, amino acid conservation, physicochemical variation, residue mobility, and thermodynamic stability) indicates that this missense variant is not expected to disrupt MYH11 protein function with a negative predictive value of 95%. In summary, the available evidence is currently insufficient to determine the role of this variant in disease. Therefore, it has been classified as a Variant of Uncertain Significance.

Color Diagnostics, LLC DBA Color Health
Classification: Uncertain significance for Familial thoracic aortic aneurysm and aortic dissection. Last evaluated: 2025-06-23. Review status: criteria provided, single submitter. Criteria: ACMG Guidelines, 2015. Collection method: clinical testing. Allele origin: germline.
Comment: This missense variant replaces lysine with arginine at codon 1932 of the MYH11 protein. Computational prediction suggests that this variant may not impact protein structure and function. To our knowledge, functional studies have not been reported for this variant. This variant has not been reported in individuals affected with MYH11-related disorders in the literature. This variant has been identified in 4/281594 chromosomes in the general population by the Genome Aggregation Database (gnomAD). The available evidence is insufficient to determine the role of this variant in disease conclusively. Therefore, this variant is classified as a Variant of Uncertain Significance.

Illumina Laboratory Services, Illumina
Classification: Uncertain significance for Aortic aneurysm, familial thoracic 4. Last evaluated: 2018-01-13. Review status: criteria provided, single submitter. Criteria: ICSL Variant Classification Criteria 13 December 2019. Collection method: clinical testing. Allele origin: germline.

NM_002474.3(MYH11):c.5774A>G (p.Lys1925Arg)

Genes: NDE1 (nudE neurodevelopment protein 1; plus strand), MYH11 (myosin heavy chain 11; minus strand). Cytogenetic location: 16p13.11.
Variant type: single nucleotide variant.
Coding change: c.5774A>G on transcript NM_002474.3 (MANE Select); coding-DNA position 5774, A replaced by G.
Protein change: p.Lys1925Arg; replaces lysine 1925 with arginine.
Molecular consequence: missense variant. On other transcripts: intron variant (2).
Genome position (GRCh38, 1-based): chr16:15,714,921, T>C on the plus strand (A>G on the coding strand, the complement: MYH11 is on the minus strand). VCF-style: chr16-15714921-T-C. GRCh37 (hg19) VCF-style: chr16-15808778-T-C.
Other names: c.5795A>G, p.Lys1932Arg (NM_001040113.2, NM_001040114.2); c.5774A>G, p.Lys1925Arg (NM_022844.3); c.948-9270T>C (NM_001143979.2, NM_017668.3); short protein forms K1932R, K1925R.
Identifiers: ClinVar variation 318089 (VCV000318089.7), dbSNP rs886051736, ClinGen allele CA10647069.